The following is an entry in ClinVar:

ClinVar aggregate classification (germline): Uncertain significance (1 of 4 stars; one submission).

Conditions:
Emery-Dreifuss muscular dystrophy 4, autosomal dominant (EDMD4). Also called: EMERY-DREIFUSS MUSCULAR DYSTROPHY 4 WITH VARIABLE FEATURES. Identifiers: Orphanet 261, MedGen C2751807, MONDO:0013071, OMIM 612998.
Autosomal recessive ataxia, Beauce type. Also called: SYNE1-Related Autosomal Recessive Cerebellar Ataxia; Spinocerebellar ataxia, autosomal recessive 8; ATAXIA, RECESSIVE, OF BEAUCE; SYNE1 Deficiency. Identifiers: Orphanet 88644, MedGen C1853116, MONDO:0012549, OMIM 610743.

Allele frequency attached by ClinVar (database versions not stated): gnomAD 0.00001; TOPMed 0.00001; gnomAD exomes 0.00003 and 0.00008; ExAC 0.00009.
gnomAD v4.1: 21 of 1,613,996 alleles (0.0013%); highest among the groups gnomAD compares: Admixed American, 0.033%; no homozygotes.

Submission:

Labcorp Genetics (formerly Invitae), Labcorp
Classification: Uncertain significance for Emery-Dreifuss muscular dystrophy 4, autosomal dominant; Autosomal recessive ataxia, Beauce type. Last evaluated: 2025-11-24. Review status: criteria provided, single submitter. Criteria: Invitae Variant Classification Sherloc (09022015). Collection method: clinical testing. Allele origin: germline.
Comment: This sequence change replaces glutamine, which is neutral and polar, with glutamic acid, which is acidic and polar, at codon 4710 of the SYNE1 protein (p.Gln4710Glu). This variant is present in population databases (rs750831528, gnomAD 0.06%). This variant has not been reported in the literature in individuals affected with SYNE1-related conditions. ClinVar contains an entry for this variant (Variation ID: 1411098). An algorithm developed to predict the effect of missense changes on protein structure and function outputs the following: PolyPhen-2: "Benign". The glutamic acid amino acid residue is found in multiple mammalian species, which suggests that this missense change does not adversely affect protein function. In summary, the available evidence is currently insufficient to determine the role of this variant in disease. Therefore, it has been classified as a Variant of Uncertain Significance.

NM_182961.4(SYNE1):c.14341C>G (p.Gln4781Glu)

Gene: SYNE1 (spectrin repeat containing nuclear envelope protein 1; minus strand). Cytogenetic location: 6q25.2.
Variant type: single nucleotide variant.
Coding change: c.14341C>G on transcript NM_182961.4 (MANE Select); coding-DNA position 14341, C replaced by G.
Protein change: p.Gln4781Glu; replaces glutamine 4781 with glutamic acid.
Molecular consequence: missense variant.
Genome position (GRCh38, 1-based): chr6:152,330,344, G>C on the plus strand (C>G on the coding strand, the complement: SYNE1 is on the minus strand). VCF-style: chr6-152330344-G-C. GRCh37 (hg19) VCF-style: chr6-152651479-G-C.
Other names: c.14128C>G, p.Gln4710Glu (NM_033071.5); short protein forms Q4710E, Q4781E.
Identifiers: ClinVar variation 1411098 (VCV001411098.5), dbSNP rs750831528, ClinGen allele CA4056021.
Genomic context (GRCh38, chr6:152,330,344, plus strand): 5'-GCTCCTCTTTTACAGACTTCAGTTGTCTCTCCAGCTGTTGGCACATCTTCTCGTGTTCTT[G>C]GTAAGCACTGGTGGTGTCTTCTAATAAGCTAACCCTCTGTTCTGTTTGTCGCTTCAGCCT-3'
Protein context (NP_892006.3, residues 4771-4791): SLLEDTTSAY[Gln4781Glu]EHEKMCQQLE